The following is an entry in ClinVar:

ClinVar aggregate classification (germline): Uncertain significance. Review status: criteria provided, multiple submitters, no conflicts (2 of 4 stars). 2 submissions from 2 submitters: Uncertain significance (2). Last evaluated 2024-11-14.

Allele frequency attached by ClinVar (database versions not stated): ExAC 0.00002; gnomAD 0.00007; TOPMed 0.00009; gnomAD exomes 0.00012; ESP Exome Variant Server 0.00015.
gnomAD v4.1: 192 of 1,613,720 alleles (0.012%); highest among the groups gnomAD compares: Non-Finnish European, 0.015%; no homozygotes.

Submissions (2):

Blueprint Genetics
Classification: Uncertain significance. Last evaluated: 2024-11-14. Review status: criteria provided, single submitter. Criteria: ACMG Guidelines, 2015. Collection method: clinical testing. Allele origin: germline.

Labcorp Genetics (formerly Invitae), Labcorp
Classification: Uncertain significance. Last evaluated: 2022-08-10. Review status: criteria provided, single submitter. Criteria: Invitae Variant Classification Sherloc (09022015). Collection method: clinical testing. Allele origin: germline.
Comment: This sequence change replaces serine, which is neutral and polar, with glycine, which is neutral and non-polar, at codon 30 of the AGBL5 protein (p.Ser30Gly). This variant is present in population databases (rs199584618, gnomAD 0.01%). This variant has not been reported in the literature in individuals affected with AGBL5-related conditions. Algorithms developed to predict the effect of missense changes on protein structure and function output the following: SIFT: "Tolerated"; PolyPhen-2: "Benign"; Align-GVGD: "Class C0". The glycine amino acid residue is found in multiple mammalian species, which suggests that this missense change does not adversely affect protein function. In summary, the available evidence is currently insufficient to determine the role of this variant in disease. Therefore, it has been classified as a Variant of Uncertain Significance.

NM_021831.6(AGBL5):c.88A>G (p.Ser30Gly)

Gene: AGBL5 (AGBL carboxypeptidase 5; plus strand). Cytogenetic location: 2p23.3.
Variant type: single nucleotide variant.
Coding change: c.88A>G on transcript NM_021831.6 (MANE Select); coding-DNA position 88, A replaced by G.
Protein change: p.Ser30Gly; replaces serine 30 with glycine.
Molecular consequence: missense variant. On other transcripts: non-coding transcript variant (2).
Genome position (GRCh38, 1-based): chr2:27,053,046, A>G. VCF-style: chr2-27053046-A-G. GRCh37 (hg19) VCF-style: chr2-27275914-A-G.
Other names: c.88A>G, p.Ser30Gly (NM_001035506.1, NM_001035507.3); short protein forms S30G.
Identifiers: ClinVar variation 2083877 (VCV002083877.2), dbSNP rs199584618, ClinGen allele CA1567542.
Genomic context (GRCh38, chr2:27,053,046, plus strand): 5'-TTCAGTTCTCGCTTTGATTCAGGGAATCTAGCCCACGTGGAGAAGGTGGAATCTTTGTCC[A>G]GTGATGGGGAAGGGGTAGGAGGTGGGGCGTCAGCCCTGACCAGTGGCATTGCCTCTTCCC-3'
Protein context (NP_068603.4, residues 20-40): AHVEKVESLS[Ser30Gly]DGEGVGGGAS